The following is an entry in ClinVar:

ClinVar aggregate classification (germline): Conflicting classifications of pathogenicity. Review status: criteria provided, conflicting classifications (1 of 4 stars). 2 submissions from 2 submitters: Uncertain significance (1); Likely benign (1). Last evaluated 2025-02-19.

Conditions:
Hereditary cancer-predisposing syndrome. Also called: Tumor predisposition; Hereditary Cancer Syndrome; Hereditary neoplastic syndrome; Neoplastic Syndromes, Hereditary. Identifiers: Orphanet 140162, MedGen C0027672, MeSH D009386, MONDO:0015356.
Hereditary breast ovarian cancer syndrome. Also called: Hereditary breast and/or ovarian cancer syndrome; BRCA1- and BRCA2-Associated Hereditary Breast and Ovarian Cancer; Hereditary breast and ovarian cancer syndrome; Hereditary breast and ovarian cancer; Hereditary breast and ovarian cancer syndrome (HBOC); Breast and ovarian cancer. Identifiers: Orphanet 145, MedGen C0677776, MeSH D061325, MONDO:0003582. Disease mechanism: loss of function.

Allele frequency attached by ClinVar (database versions not stated): gnomAD exomes below 0.00001.
gnomAD v4.1: 1 of 1,613,992 alleles (0.000062%); highest among the groups gnomAD compares: Non-Finnish European, 0.000085%; no homozygotes.

Submissions (3):

Labcorp Genetics (formerly Invitae), Labcorp
Classification: Uncertain significance for Hereditary breast ovarian cancer syndrome. Last evaluated: 2025-02-19. Review status: criteria provided, single submitter. Criteria: Invitae Variant Classification Sherloc (09022015). Collection method: clinical testing. Allele origin: germline.
Comment: This sequence change replaces leucine, which is neutral and non-polar, with phenylalanine, which is neutral and non-polar, at codon 1800 of the BRCA1 protein (p.Leu1800Phe). This variant is not present in population databases (gnomAD no frequency). This variant has not been reported in the literature in individuals affected with BRCA1-related conditions. ClinVar contains an entry for this variant (Variation ID: 865418). Invitae Evidence Modeling incorporating data from in vitro experimental studies (PMID: 30209399) indicates that this missense variant is not expected to disrupt BRCA1 function with a negative predictive value of 95%. Experimental studies have shown that this missense change does not substantially affect BRCA1 function (PMID: 30209399). In summary, the available evidence is currently insufficient to determine the role of this variant in disease. Therefore, it has been classified as a Variant of Uncertain Significance.

Ambry Genetics
Classification: Likely benign for Hereditary cancer-predisposing syndrome. Last evaluated: 2022-08-23. Review status: criteria provided, single submitter. Criteria: Ambry Variant Classification Scheme 2023. Collection method: clinical testing. Allele origin: germline.

Brotman Baty Institute, University of Washington
No classification provided (evidence only). Condition: Breast-ovarian cancer, familial 1. Review status: no classification provided. Collection method: in vitro. Allele origin: not applicable. Functional consequence: functionally_normal. Not counted in ClinVar's aggregate classification.
ClinVar note: "not provided" was previously submitted as the classification for the variant. However, the classification appeared to be based only on an observation of functional data so it was converted to no classification on 2025-07-30.

Literature cited by the submitters: PubMed 30209399 (cited by Labcorp Genetics (formerly Invitae), Labcorp and Ambry Genetics).

NM_007294.4(BRCA1):c.5398C>T (p.Leu1800Phe)

Gene: BRCA1 (BRCA1 DNA repair associated; minus strand). Cytogenetic location: 17q21.31.
Variant type: single nucleotide variant.
Coding change: c.5398C>T on transcript NM_007294.4 (MANE Select); coding-DNA position 5398, C replaced by T.
Protein change: p.Leu1800Phe; replaces leucine 1800 with phenylalanine.
Molecular consequence: missense variant. On other transcripts: non-coding transcript variant (1), intron variant (1).
Genome position (GRCh38, 1-based): chr17:43,049,129, G>A on the plus strand (C>T on the coding strand, the complement: BRCA1 is on the minus strand). VCF-style: chr17-43049129-G-A. GRCh37 (hg19) VCF-style: chr17-41201146-G-A.
Other names: c.5395C>T, p.Leu1799Phe (NM_001407612.1, NM_001407613.1, NM_001407614.1 and 14 more transcripts); c.5392C>T, p.Leu1798Phe (NM_001407631.1, NM_001407632.1, NM_001407633.1 and 13 more transcripts); c.5185C>T, p.Leu1729Phe (NM_001407571.1, NM_001407899.1, NM_001407900.1 and 12 more transcripts); c.5464C>T, p.Leu1822Phe (NM_001407581.1, NM_001407582.1); c.5461C>T, p.Leu1821Phe (NM_001407583.1, NM_001407585.1, NM_001407587.1 and 1 more transcripts); c.5458C>T, p.Leu1820Phe (NM_001407590.1, NM_001407591.1); c.5398C>T, p.Leu1800Phe (NM_001407593.1, NM_001407594.1, NM_001407596.1 and 5 more transcripts); c.5389C>T, p.Leu1797Phe (NM_001407644.1, NM_001407645.1); and 73 more; short protein forms L1753F, L1800F, L1821F, L696F, L1646F, L1687F, L1710F, L1711F.
Identifiers: ClinVar variation 865418 (VCV000865418.8), dbSNP rs2051074344, ClinGen allele CA10590679.